The following is an entry in ClinVar:

ClinVar aggregate classification (germline): Conflicting classifications of pathogenicity. Review status: criteria provided, conflicting classifications (1 of 4 stars). 3 submissions from 3 submitters: Uncertain significance (2); Likely benign (1). Last evaluated 2025-10-04.

Conditions:
Arrhythmogenic right ventricular dysplasia 8 (ARVD8). Also called: Arrhythmogenic Right Ventricular Dysplasia/Cardiomyopathy 8; ARRHYTHMOGENIC RIGHT VENTRICULAR DYSPLASIA, FAMILIAL, 8; ARRHYTHMOGENIC RIGHT VENTRICULAR CARDIOMYOPATHY 8. Identifiers: MedGen C1843896, MONDO:0011831, OMIM 607450.
Arrhythmogenic cardiomyopathy with wooly hair and keratoderma. Also called: PALMOPLANTAR KERATODERMA WITH LEFT VENTRICULAR CARDIOMYOPATHY AND WOOLLY HAIR; Carvajal syndrome; Dilated cardiomyopathy with woolly hair and keratoderma; Arrhythmogenic cardiomyopathy with woolly hair and keratoderma. Identifiers: Orphanet 65282, MedGen C1854063, MONDO:0011581, OMIM 605676.
Cardiomyopathy (CMYO). Also called: Cardiomyopathies. Identifiers: Orphanet 167848, MedGen C0878544, MONDO:0004994, HP:0001638. Inheritance: Various modes of inheritance.

Submissions (3):

Labcorp Genetics (formerly Invitae), Labcorp
Classification: Likely benign for Arrhythmogenic cardiomyopathy with wooly hair and keratoderma; Arrhythmogenic right ventricular dysplasia 8. Last evaluated: 2025-10-04. Review status: criteria provided, single submitter. Criteria: Invitae Variant Classification Sherloc (09022015). Collection method: clinical testing. Allele origin: germline.

Color Diagnostics, LLC DBA Color Health
Classification: Uncertain significance for Cardiomyopathy. Last evaluated: 2024-03-06. Review status: criteria provided, single submitter. Criteria: ACMG Guidelines, 2015. Collection method: clinical testing. Allele origin: germline.
Comment: This missense variant replaces arginine with proline at codon 222 of the DSP protein. Computational prediction is inconclusive regarding the impact of this variant on protein structure and function (internally defined REVEL score threshold 0.5 < inconclusive < 0.7, PMID: 27666373). To our knowledge, functional studies have not been reported for this variant. This variant has not been reported in individuals affected with cardiovascular disorders in the literature. This variant has been identified in 4/251426 chromosomes in the general population by the Genome Aggregation Database (gnomAD). The available evidence is insufficient to determine the role of this variant in disease conclusively. Therefore, this variant is classified as a Variant of Uncertain Significance.

All of Us Research Program, National Institutes of Health
Classification: Uncertain significance for Arrhythmogenic cardiomyopathy with wooly hair and keratoderma. Last evaluated: 2023-12-13. Review status: criteria provided, single submitter. Criteria: ACMG Guidelines, 2015. Collection method: clinical testing. Allele origin: germline. Inheritance: Autosomal dominant inheritance. Observed: 1 variant allele, 1 heterozygote.
Comment: This missense variant replaces arginine with proline at codon 222 of the DSP protein. Computational prediction is inconclusive regarding the impact of this variant on protein structure and function (internally defined REVEL score threshold 0.5 < inconclusive < 0.7, PMID: 27666373). To our knowledge, functional studies have not been reported for this variant. This variant has not been reported in individuals affected with cardiovascular disorders in the literature. This variant has been identified in 4/251426 chromosomes in the general population by the Genome Aggregation Database (gnomAD). The available evidence is insufficient to determine the role of this variant in disease conclusively. Therefore, this variant is classified as a Variant of Uncertain Significance.

This study involves interpretation of variants in research participants for the purpose of population health screening. Participant phenotype was not available at the time of variant classification. Additional details can be found in publication PMID: 35346344, PMCID: PMC8962531

NM_004415.4(DSP):c.665G>C (p.Arg222Pro)

Gene: DSP (desmoplakin; plus strand). Cytogenetic location: 6p24.3.
Variant type: single nucleotide variant.
Coding change: c.665G>C on transcript NM_004415.4 (MANE Select); coding-DNA position 665, G replaced by C.
Protein change: p.Arg222Pro; replaces arginine 222 with proline.
Molecular consequence: missense variant.
Genome position (GRCh38, 1-based): chr6:7,562,719, G>C. VCF-style: chr6-7562719-G-C. GRCh37 (hg19) VCF-style: chr6-7562952-G-C.
Other names: c.665G>C, p.Arg222Pro (NM_001008844.3, NM_001319034.2); short protein forms R222P.
Identifiers: ClinVar variation 924547 (VCV000924547.7), dbSNP rs377749481, ClinGen allele CA048178.